The following is an entry in ClinVar:

ClinVar aggregate classification (germline): Uncertain significance (1 of 4 stars; one submission).

Allele frequency attached by ClinVar (database versions not stated): gnomAD 0.00001; TOPMed 0.00002; ExAC 0.00005; 1000 Genomes Project 30x 0.00016; 1000 Genomes Project 0.00020.
gnomAD v4.1: 13 of 1,613,582 alleles (0.00081%); highest among the groups gnomAD compares: Admixed American, 0.022%; no homozygotes.

Submission:

Labcorp Genetics (formerly Invitae), Labcorp
Classification: Uncertain significance. Last evaluated: 2022-10-03. Review status: criteria provided, single submitter. Criteria: Invitae Variant Classification Sherloc (09022015). Collection method: clinical testing. Allele origin: germline.
Comment: This sequence change replaces glycine, which is neutral and non-polar, with alanine, which is neutral and non-polar, at codon 755 of the MTTP protein (p.Gly755Ala). This variant is present in population databases (rs184378155, gnomAD 0.04%). This variant has not been reported in the literature in individuals affected with MTTP-related conditions. Advanced modeling of protein sequence and biophysical properties (such as structural, functional, and spatial information, amino acid conservation, physicochemical variation, residue mobility, and thermodynamic stability) has been performed at Invitae for this missense variant, however the output from this modeling did not meet the statistical confidence thresholds required to predict the impact of this variant on MTTP protein function. In summary, the available evidence is currently insufficient to determine the role of this variant in disease. Therefore, it has been classified as a Variant of Uncertain Significance.

NM_001386140.1(MTTP):c.2264G>C (p.Gly755Ala)

Gene: MTTP (microsomal triglyceride transfer protein; plus strand). Cytogenetic location: 4q23.
Variant type: single nucleotide variant.
Coding change: c.2264G>C on transcript NM_001386140.1 (MANE Select); coding-DNA position 2264, G replaced by C.
Protein change: p.Gly755Ala; replaces glycine 755 with alanine.
Molecular consequence: missense variant.
Genome position (GRCh38, 1-based): chr4:99,619,020, G>C. VCF-style: chr4-99619020-G-C. GRCh37 (hg19) VCF-style: chr4-100540177-G-C.
Other names: c.2264G>C, p.Gly755Ala (NM_000253.4); c.2015G>C, p.Gly672Ala (NM_001300785.2); short protein forms G672A, G755A.
Identifiers: ClinVar variation 2164288 (VCV002164288.1), dbSNP rs184378155, ClinGen allele CA3022330.